The following is an entry in ClinVar:

NM_003743.5(NCOA1):c.3876CAA[1] (p.Asn1294del)

Gene: NCOA1 (nuclear receptor coactivator 1; plus strand). Cytogenetic location: 2p23.3.
Variant type: Microsatellite.
Coding change: c.3876CAA[1] on transcript NM_003743.5 (MANE Select); one copy of the 3-base unit CAA starting at c.3876; the reference has two copies in a row; one copy, 3 bases deleted.
Protein change: p.Asn1294del; deletes asparagine 1294.
Genome position (GRCh38, 1-based): chr2:24,752,154-24,752,156, CAA deleted; deleting any 3 consecutive bases within chr2:24,752,149-24,752,156 gives the same sequence; the position shown is the placement nearest the transcript's 3' end. VCF-style (leftmost placement, unchanged base first): chr2-24752148-AAAC-A. GRCh37 (hg19) VCF-style: chr2-24975017-AAAC-A.
Other names: c.3876CAA[1], p.Asn1294del (NM_001362950.1, NM_001362952.1, NM_001362954.1 and 3 more transcripts); short protein forms N1294del.
Identifiers: ClinVar variation 3054832 (VCV003054832.2), dbSNP rs773887238, ClinGen allele CA1552729.
Genomic context (GRCh38, chr2:24,752,148, plus strand): 5'-TCCACCTGCCTCCGGGTATCAGTCACCAGACATGAAGGCCTGGCAGCAAGGAGCGATAGG[AAAC>A]AACAAGTAAGGGGGCAGTTTTTATATATGAGCATCCTTGATACTGTGATAAATCCTTGAT-3'

ClinVar aggregate classification (germline): Uncertain significance (0 of 4 stars; one submission).

Conditions:
NCOA1-related disorder. Also called: NCOA1-related condition.

Submission:

PreventionGenetics, part of Exact Sciences
Classification: Uncertain significance for NCOA1-related condition. Last evaluated: 2023-12-14. Review status: no assertion criteria provided. Collection method: clinical testing. Allele origin: germline.
Comment: The NCOA1 c.3879_3881delCAA variant is predicted to result in an in-frame deletion (p.Asn1294del). To our knowledge, this variant has not been reported in the literature. This variant is reported in 0.010% of alleles in individuals of Ashkenazi Jewish descent in gnomAD. At this time, the clinical significance of this variant is uncertain due to the absence of conclusive functional and genetic evidence.